The following is an entry in ClinVar:

NM_004130.4(GYG1):c.221T>A (p.Leu74Ter)

Gene: GYG1 (glycogenin 1; plus strand). Cytogenetic location: 3q24.
Variant type: single nucleotide variant.
Coding change: c.221T>A on transcript NM_004130.4 (MANE Select); coding-DNA position 221, T replaced by A.
Protein change: p.Leu74Ter; replaces leucine 74 with a stop codon.
Molecular consequence: nonsense.
Genome position (GRCh38, 1-based): chr3:148,996,379, T>A. VCF-style: chr3-148996379-T-A. GRCh37 (hg19) VCF-style: chr3-148714166-T-A.
Other names: c.221T>A, p.Leu74Ter (NM_001184720.2, NM_001184721.2); short protein forms L74*.
Identifiers: ClinVar variation 2952434 (VCV002952434.3), dbSNP rs2472709427, ClinGen allele CA354911455.

ClinVar aggregate classification (germline): Pathogenic (1 of 4 stars; one submission).

Conditions:
Glycogen storage disease XV (GSD15). Also called: GLYCOGENIN DEFICIENCY; GSD XV. Identifiers: Orphanet 263297, MedGen C3150754, MONDO:0013291, OMIM 613507.
Polyglucosan body myopathy type 2. Identifiers: Orphanet 456369, MedGen C4015452, MONDO:0014526, OMIM 616199.

Submission:

Labcorp Genetics (formerly Invitae), Labcorp
Classification: Pathogenic for Polyglucosan body myopathy type 2; Glycogen storage disease XV. Last evaluated: 2025-03-05. Review status: criteria provided, single submitter. Criteria: Invitae Variant Classification Sherloc (09022015). Collection method: clinical testing. Allele origin: germline.
Comment: This sequence change creates a premature translational stop signal (p.Leu74*) in the GYG1 gene. It is expected to result in an absent or disrupted protein product. Loss-of-function variants in GYG1 are known to be pathogenic (PMID: 20357282, 25272951). This variant is not present in population databases (gnomAD no frequency). This variant has not been reported in the literature in individuals affected with GYG1-related conditions. ClinVar contains an entry for this variant (Variation ID: 2952434). For these reasons, this variant has been classified as Pathogenic.

Literature cited by the submitters: PubMed 20357282; PubMed 25272951.